The following is an entry in ClinVar:

NM_001127671.2(LIFR):c.1424C>T (p.Ser475Leu)

Gene: LIFR (LIF receptor subunit alpha; minus strand). Cytogenetic location: 5p13.1.
Variant type: single nucleotide variant.
Coding change: c.1424C>T on transcript NM_001127671.2 (MANE Select); coding-DNA position 1424, C replaced by T.
Protein change: p.Ser475Leu; replaces serine 475 with leucine.
Molecular consequence: missense variant.
Genome position (GRCh38, 1-based): chr5:38,503,989, G>A on the plus strand (C>T on the coding strand, the complement: LIFR is on the minus strand). VCF-style: chr5-38503989-G-A. GRCh37 (hg19) VCF-style: chr5-38504091-G-A.
Other names: c.1424C>T, p.Ser475Leu (NM_001364297.2, NM_001364298.2, NM_002310.6); short protein forms S475L.
Identifiers: ClinVar variation 904900 (VCV000904900.10), dbSNP rs763060076, ClinGen allele CA3242956.

ClinVar aggregate classification (germline): Uncertain significance. Review status: criteria provided, multiple submitters, no conflicts (2 of 4 stars). 2 submissions from 2 submitters: Uncertain significance (2). Last evaluated 2024-06-28.

Conditions:
Stuve-Wiedemann syndrome (STWS). Also called: Stüve-Wiedemann syndrome. Identifiers: Orphanet 3206, MedGen C0796176, MONDO:0031280.

Allele frequency attached by ClinVar (database versions not stated): TOPMed 0.00001; gnomAD exomes 0.00002; ExAC 0.00003.
gnomAD v4.1: 23 of 1,575,138 alleles (0.0015%); highest among the groups gnomAD compares: Non-Finnish European, 0.0019%; no homozygotes.

Submissions (2):

Labcorp Genetics (formerly Invitae), Labcorp
Classification: Uncertain significance. Last evaluated: 2024-06-28. Review status: criteria provided, single submitter. Criteria: Invitae Variant Classification Sherloc (09022015). Collection method: clinical testing. Allele origin: germline.
Comment: This sequence change replaces serine, which is neutral and polar, with leucine, which is neutral and non-polar, at codon 475 of the LIFR protein (p.Ser475Leu). This variant is present in population databases (rs763060076, gnomAD 0.005%). This variant has not been reported in the literature in individuals affected with LIFR-related conditions. ClinVar contains an entry for this variant (Variation ID: 904900). An algorithm developed to predict the effect of missense changes on protein structure and function (PolyPhen-2) suggests that this variant is likely to be tolerated. In summary, the available evidence is currently insufficient to determine the role of this variant in disease. Therefore, it has been classified as a Variant of Uncertain Significance.

Illumina Laboratory Services, Illumina
Classification: Uncertain significance for Stüve-Wiedemann syndrome 1. Last evaluated: 2018-01-13. Review status: criteria provided, single submitter. Criteria: ICSL Variant Classification Criteria 13 December 2019. Collection method: clinical testing. Allele origin: germline.